The following is an entry in ClinVar:

ClinVar aggregate classification (germline): Uncertain significance (1 of 4 stars; one submission).

Submission:

Labcorp Genetics (formerly Invitae), Labcorp
Classification: Uncertain significance. Last evaluated: 2019-11-25. Review status: criteria provided, single submitter. Criteria: Invitae Variant Classification Sherloc (09022015). Collection method: clinical testing. Allele origin: germline.
Comment: This variant results in a copy number gain of the genomic region encompassing the full coding sequence of the SNRNP200 gene. The boundaries of this event are unknown as they extend beyond the assayed region for this gene and therefore may encompass additional genes. As the precise location of this event is unknown, it may be in tandem or it may be located elsewhere in the genome. This variant has not been reported in the literature in individuals with SNRNP200-related conditions. In summary, the available evidence is currently insufficient to determine the role of this variant in disease. Therefore, it has been classified as a Variant of Uncertain Significance.

NC_000002.11:g.(?_96780545)_(96971175_?)dup

Genes: ADRA2B (adrenoceptor alpha 2B; minus strand), ASTL (astacin like metalloendopeptidase; minus strand), CIAO1 (cytosolic iron-sulfur assembly component 1; plus strand), DUSP2 (dual specificity phosphatase 2; minus strand), SNRNP200 (small nuclear ribonucleoprotein U5 subunit 200; minus strand) and 2 more. Cytogenetic location: 2q11.1-11.2.
Variant type: Duplication.
Identifiers: ClinVar variation 831270 (VCV000831270.1).